The following is an entry in ClinVar:

NM_003327.4(TNFRSF4):c.275G>C (p.Gly92Ala)

Gene: TNFRSF4 (TNF receptor superfamily member 4; minus strand). Cytogenetic location: 1p36.33.
Variant type: single nucleotide variant.
Coding change: c.275G>C on transcript NM_003327.4 (MANE Select); coding-DNA position 275, G replaced by C.
Protein change: p.Gly92Ala; replaces glycine 92 with alanine.
Molecular consequence: missense variant.
Genome position (GRCh38, 1-based): chr1:1,213,087, C>G on the plus strand (G>C on the coding strand, the complement: TNFRSF4 is on the minus strand). VCF-style: chr1-1213087-C-G. GRCh37 (hg19) VCF-style: chr1-1148467-C-G.
Other names: c.275G>C, p.Gly92Ala (NM_001410709.1); short protein forms G92A.
Identifiers: ClinVar variation 2000506 (VCV002000506.4), dbSNP rs1649255349, ClinGen allele CA337801729.

ClinVar aggregate classification (germline): Uncertain significance (1 of 4 stars; one submission).

Conditions:
Combined immunodeficiency due to OX40 deficiency. Also called: OX40 DEFICIENCY; Immunodeficiency 16. Identifiers: Orphanet 431149, MedGen C3810053, MONDO:0014268, OMIM 615593.

Submission:

Labcorp Genetics (formerly Invitae), Labcorp
Classification: Uncertain significance for Combined immunodeficiency due to OX40 deficiency. Last evaluated: 2022-05-29. Review status: criteria provided, single submitter. Criteria: Invitae Variant Classification Sherloc (09022015). Collection method: clinical testing. Allele origin: germline.
Comment: This sequence change replaces glycine, which is neutral and non-polar, with alanine, which is neutral and non-polar, at codon 92 of the TNFRSF4 protein (p.Gly92Ala). This variant is not present in population databases (gnomAD no frequency). This variant has not been reported in the literature in individuals affected with TNFRSF4-related conditions. Algorithms developed to predict the effect of missense changes on protein structure and function are either unavailable or do not agree on the potential impact of this missense change (SIFT: "Deleterious"; PolyPhen-2: "Possibly Damaging"; Align-GVGD: "Class C0"). In summary, the available evidence is currently insufficient to determine the role of this variant in disease. Therefore, it has been classified as a Variant of Uncertain Significance.